The following is an entry in ClinVar:

NM_018975.4(TERF2IP):c.174G>T (p.Glu58Asp)

Gene: TERF2IP (TERF2 interacting protein; plus strand). Cytogenetic location: 16q23.1.
Variant type: single nucleotide variant.
Coding change: c.174G>T on transcript NM_018975.4 (MANE Select); coding-DNA position 174, G replaced by T.
Protein change: p.Glu58Asp; replaces glutamic acid 58 with aspartic acid.
Molecular consequence: missense variant. On other transcripts: non-coding transcript variant (1).
Genome position (GRCh38, 1-based): chr16:75,648,056, G>T. VCF-style: chr16-75648056-G-T. GRCh37 (hg19) VCF-style: chr16-75681954-G-T.
Other names: short protein forms E58D.
Identifiers: ClinVar variation 2448545 (VCV002448545.2), dbSNP rs1269374185, ClinGen allele CA396817376.
Genomic context (GRCh38, chr16:75,648,056, plus strand): 5'-CAAGCGTCGGCTGTCGACGCTCATCCTGCACGGCGGCGGCACCGTGTGCCGAGTGCAGGA[G>T]CCCGGGGCCGTGCTGCTGGCCCAGCCCGGGGAGGCGCTGGCCGAGGCCTCGGGTGATTTC-3'
Protein context (NP_061848.2, residues 48-68): HGGGTVCRVQ[Glu58Asp]PGAVLLAQPG

ClinVar aggregate classification (germline): Uncertain significance (1 of 4 stars; one submission).

Allele frequency attached by ClinVar (database versions not stated): gnomAD exomes below 0.00001.
gnomAD v4.1: 1 of 1,596,744 alleles (0.000063%); no homozygotes.

Submission:

Ambry Genetics
Classification: Uncertain significance. Last evaluated: 2023-02-12. Review status: criteria provided, single submitter. Criteria: Ambry Variant Classification Scheme 2023. Collection method: clinical testing. Allele origin: germline.
Comment: The p.E58D variant (also known as c.174G>T), located in coding exon 1 of the TERF2IP gene, results from a G to T substitution at nucleotide position 174. The glutamic acid at codon 58 is replaced by aspartic acid, an amino acid with highly similar properties. This amino acid position is conserved. In addition, this alteration is predicted to be tolerated by in silico analysis. Since supporting evidence is limited at this time, the clinical significance of this alteration remains unclear.